The following is an entry in ClinVar:

NM_001999.4(FBN2):c.518C>T (p.Thr173Ile)

Gene: FBN2 (fibrillin 2; minus strand). Cytogenetic location: 5q23.3.
Variant type: single nucleotide variant.
Coding change: c.518C>T on transcript NM_001999.4 (MANE Select); coding-DNA position 518, C replaced by T.
Protein change: p.Thr173Ile; replaces threonine 173 with isoleucine.
Molecular consequence: missense variant.
Genome position (GRCh38, 1-based): chr5:128,527,886, G>A on the plus strand (C>T on the coding strand, the complement: FBN2 is on the minus strand). VCF-style: chr5-128527886-G-A. GRCh37 (hg19) VCF-style: chr5-127863579-G-A.
Other names: short protein forms T173I.
Identifiers: ClinVar variation 155796 (VCV000155796.98), dbSNP rs147157552, ClinGen allele CA245202.

ClinVar aggregate classification (germline): Conflicting classifications of pathogenicity. Review status: criteria provided, conflicting classifications (1 of 4 stars). 17 submissions from 16 submitters: Uncertain significance (2); Benign (1); Likely benign (11). 3 of the submissions do not count toward it. Last evaluated 2026-04-01.

Conditions:
FBN2-related disorder. Also called: FBN2-related condition.
Connective tissue disorder. Also called: Connective tissue disease. Identifiers: MedGen C0009782, MONDO:0003900.
Ehlers-Danlos syndrome (EDS). Identifiers: Orphanet 98249, MedGen C0013720, MONDO:0020066.
Familial thoracic aortic aneurysm and aortic dissection (TAAD). Also called: Thoracic aortic aneurysms and dissections. Identifiers: Orphanet 91387, MedGen C4707243, MONDO:0019625.
Congenital contractural arachnodactyly (CCA). Also called: BEALS SYNDROME; Beals-Hecht syndrome; Arthrogryposis, distal, type 9. Identifiers: Orphanet 115, MedGen C0220668, MONDO:0007363, OMIM 121050.

Allele frequency attached by ClinVar (database versions not stated): 1000 Genomes Project 30x 0.00062; 1000 Genomes Project 0.00080; TOPMed 0.00116; ESP Exome Variant Server 0.00169.
gnomAD v4.1: 2,063 of 1,608,094 alleles (0.13%); highest among the groups gnomAD compares: Non-Finnish European, 0.16%; 3 homozygotes.

Submissions (17):

CeGaT Center for Human Genetics Tuebingen
Classification: Likely benign. Last evaluated: 2026-04-01. Review status: criteria provided, single submitter. Criteria: CeGaT Center For Human Genetics Tuebingen Variant Classification Criteria Version 2. Collection method: clinical testing. Allele origin: germline. Affected: yes. Observed: 15 variant alleles.
Comment: FBN2: BS1

Labcorp Genetics (formerly Invitae), Labcorp
Classification: Likely benign for Congenital contractural arachnodactyly. Last evaluated: 2026-01-27. Review status: criteria provided, single submitter. Criteria: Invitae Variant Classification Sherloc (09022015). Collection method: clinical testing. Allele origin: germline.

Mayo Clinic Laboratories, Mayo Clinic
Classification: Likely benign. Last evaluated: 2025-03-13. Review status: criteria provided, single submitter. Criteria: ACMG Guidelines, 2015. Collection method: clinical testing. Allele origin: germline. Observed: 3 variant alleles.
Comment: BS1

Blueprint Genetics
Classification: Likely benign. Last evaluated: 2024-11-01. Review status: criteria provided, single submitter. Criteria: ACMG Guidelines, 2015. Collection method: clinical testing. Allele origin: germline.

Women's Health and Genetics/Laboratory Corporation of America, LabCorp
Classification: Likely benign. Last evaluated: 2023-11-06. Review status: criteria provided, single submitter. Criteria: LabCorp Variant Classification Summary - May 2015. Collection method: clinical testing. Allele origin: germline.

Genome Diagnostics Laboratory, The Hospital for Sick Children
Classification: Likely benign for Connective tissue disorder. Last evaluated: 2022-06-20. Review status: criteria provided, single submitter. Criteria: ACMG Guidelines, 2015. Collection method: clinical testing. Allele origin: germline.

ARUP Laboratories, Molecular Genetics and Genomics, ARUP Laboratories
Classification: Likely benign. Last evaluated: 2021-09-27. Review status: criteria provided, single submitter. Criteria: ARUP Molecular Germline Variant Investigation Process 2021. Collection method: clinical testing. Allele origin: germline.

GeneDx
Classification: Likely benign. Last evaluated: 2021-03-16. Review status: criteria provided, single submitter. Criteria: GeneDx Variant Classification Process June 2021. Collection method: clinical testing. Allele origin: germline. Affected: yes.

Genome Diagnostics Laboratory, The Hospital for Sick Children
Classification: Likely benign for Ehlers-Danlos syndrome. Last evaluated: 2020-07-01. Review status: criteria provided, single submitter. Criteria: ACMG Guidelines, 2015. Collection method: clinical testing. Allele origin: germline.

Illumina Laboratory Services, Illumina
Classification: Benign for Congenital contractural arachnodactyly. Last evaluated: 2018-01-12. Review status: criteria provided, single submitter. Criteria: ICSL Variant Classification Criteria 13 December 2019. Collection method: clinical testing. Allele origin: germline.
Comment: This variant was observed in the ICSL laboratory as part of a predisposition screen in an ostensibly healthy population. It had not been previously curated by ICSL or reported in the Human Gene Mutation Database (HGMD: prior to June 1st, 2018), and was therefore a candidate for classification through an automated scoring system. Utilizing variant allele frequency, disease prevalence and penetrance estimates, and inheritance mode, an automated score was calculated to assess if this variant is too frequent to cause the disease. Based on the score and internal cut-off values, a variant classified as benign is not then subjected to further curation. The score for this variant resulted in a classification of benign for this disease.

Ambry Genetics
Classification: Likely benign for Familial thoracic aortic aneurysm and aortic dissection. Last evaluated: 2017-11-29. Review status: criteria provided, single submitter. Criteria: Ambry Variant Classification Scheme 2023. Collection method: clinical testing. Allele origin: germline.

Center for Human Genetics, Inc
Classification: Likely benign for Connective tissue disorder. Last evaluated: 2016-11-01. Review status: criteria provided, single submitter. Criteria: ACMG Guidelines, 2015. Collection method: clinical testing. Allele origin: germline. Affected: yes.

Laboratory for Molecular Medicine, Mass General Brigham Personalized Medicine
Classification: Uncertain significance. Last evaluated: 2015-10-30. Review status: criteria provided, single submitter. Criteria: LMM Criteria. Collection method: clinical testing. Allele origin: germline. Observed: 1 variant allele.
Comment: Variant classified as Uncertain Significance - Favor Benign. The p.Thr173Ile var iant in FBN2 has not been previously reported in individuals with connective tis sue disorders. It has been identified in 0.2% (146/65724) of European chromosom es, including 1 homozygous individual, by the Exome Aggregation Consortium (ExAC; dbSNP rs147157552). Computational prediction t ools and conservation analysis suggest that this variant may not impact the prot ein, though this information is not predictive enough to rule out pathogenicity. In summary, while the clinical significance of the p.Thr173Ile variant is uncer tain, its frequency and lack of conservation suggests that it is more likely to be benign.

Eurofins Ntd Llc (ga)
Classification: Uncertain significance. Last evaluated: 2014-12-12. Review status: criteria provided, single submitter. Criteria: EGL Classification Definitions 2015. Collection method: clinical testing. Allele origin: germline. Observed: 1 variant allele, 1 heterozygote.

PreventionGenetics, part of Exact Sciences
Classification: Likely benign for FBN2-related condition. Last evaluated: 2019-04-01. Review status: no assertion criteria provided. Collection method: clinical testing. Allele origin: germline. Not counted in ClinVar's aggregate classification.
Comment: This variant is classified as likely benign based on ACMG/AMP sequence variant interpretation guidelines (Richards et al. 2015 PMID: 25741868, with internal and published modifications).

Genome Diagnostics Laboratory, Amsterdam University Medical Center
Classification: Likely benign. Review status: no assertion criteria provided. Collection method: clinical testing. Allele origin: germline. Affected: yes. Study: VKGL Data-share Consensus. Not counted in ClinVar's aggregate classification.

Laboratory of Diagnostic Genome Analysis, Leiden University Medical Center (LUMC)
Classification: Likely benign. Review status: no assertion criteria provided. Collection method: clinical testing. Allele origin: germline. Affected: yes. Study: VKGL Data-share Consensus. Not counted in ClinVar's aggregate classification.

Literature cited by the submitters: PubMed 38791509 (cited by Mayo Clinic Laboratories, Mayo Clinic).